The following is an entry in ClinVar:

NM_017617.5(NOTCH1):c.259T>C (p.Cys87Arg)

Gene: NOTCH1 (notch receptor 1; minus strand). Cytogenetic location: 9q34.3.
Variant type: single nucleotide variant.
Coding change: c.259T>C on transcript NM_017617.5 (MANE Select); coding-DNA position 259, T replaced by C.
Protein change: p.Cys87Arg; replaces cysteine 87 with arginine.
Molecular consequence: missense variant.
Genome position (GRCh38, 1-based): chr9:136,523,861, A>G on the plus strand (T>C on the coding strand, the complement: NOTCH1 is on the minus strand). VCF-style: chr9-136523861-A-G. GRCh37 (hg19) VCF-style: chr9-139418313-A-G.
Other names: short protein forms C87R.
Identifiers: ClinVar variation 3572831 (VCV003572831.3).

ClinVar aggregate classification (germline): Uncertain significance. Review status: criteria provided, multiple submitters, no conflicts (2 of 4 stars). 2 submissions from 2 submitters: Uncertain significance (2). Last evaluated 2025-12-01.

Conditions:
Adams-Oliver syndrome 5 (AOS5). Identifiers: Orphanet 974, MedGen C4014970, MONDO:0014459, OMIM 616028.

Submissions (2):

Labcorp Genetics (formerly Invitae), Labcorp
Classification: Uncertain significance for Adams-Oliver syndrome 5. Last evaluated: 2025-12-01. Review status: criteria provided, single submitter. Criteria: Invitae Variant Classification Sherloc (09022015). Collection method: clinical testing. Allele origin: germline.
Comment: This sequence change replaces cysteine, which is neutral and slightly polar, with arginine, which is basic and polar, at codon 87 of the NOTCH1 protein (p.Cys87Arg). This variant is not present in population databases (gnomAD no frequency). This variant has not been reported in the literature in individuals affected with NOTCH1-related conditions. ClinVar contains an entry for this variant (Variation ID: 3572831). Invitae Evidence Modeling of protein sequence and biophysical properties (such as structural, functional, and spatial information, amino acid conservation, physicochemical variation, residue mobility, and thermodynamic stability) indicates that this missense variant is expected to disrupt NOTCH1 protein function with a positive predictive value of 95%. In summary, the available evidence is currently insufficient to determine the role of this variant in disease. Therefore, it has been classified as a Variant of Uncertain Significance.

GeneDx
Classification: Uncertain significance. Last evaluated: 2025-08-28. Review status: criteria provided, single submitter. Criteria: GeneDx Variant Classification Process June 2021. Collection method: clinical testing. Allele origin: germline.
Comment: Not observed at significant frequency in large population cohorts (gnomAD); In silico analysis supports that this missense variant has a deleterious effect on protein structure/function; Has not been previously published as pathogenic or benign to our knowledge